The following is an entry in ClinVar:

ClinVar aggregate classification (germline): Uncertain significance (1 of 4 stars; one submission).

Submission:

Labcorp Genetics (formerly Invitae), Labcorp
Classification: Uncertain significance. Last evaluated: 2024-02-19. Review status: criteria provided, single submitter. Criteria: Invitae Variant Classification Sherloc (09022015). Collection method: clinical testing. Allele origin: germline.
Comment: This sequence change replaces proline, which is neutral and non-polar, with arginine, which is basic and polar, at codon 387 of the DSG1 protein (p.Pro387Arg). This variant is not present in population databases (gnomAD no frequency). This variant has not been reported in the literature in individuals affected with DSG1-related conditions. Advanced modeling of protein sequence and biophysical properties (such as structural, functional, and spatial information, amino acid conservation, physicochemical variation, residue mobility, and thermodynamic stability) performed at Invitae indicates that this missense variant is not expected to disrupt DSG1 protein function with a negative predictive value of 80%. In summary, the available evidence is currently insufficient to determine the role of this variant in disease. Therefore, it has been classified as a Variant of Uncertain Significance.

NM_001942.4(DSG1):c.1160C>G (p.Pro387Arg)

Gene: DSG1 (desmoglein 1; plus strand). Cytogenetic location: 18q12.1.
Variant type: single nucleotide variant.
Coding change: c.1160C>G on transcript NM_001942.4 (MANE Select); coding-DNA position 1160, C replaced by G.
Protein change: p.Pro387Arg; replaces proline 387 with arginine.
Molecular consequence: missense variant.
Genome position (GRCh38, 1-based): chr18:31,336,508, C>G. VCF-style: chr18-31336508-C-G. GRCh37 (hg19) VCF-style: chr18-28916471-C-G.
Other names: short protein forms P387R.
Identifiers: ClinVar variation 2878410 (VCV002878410.3), dbSNP rs2510834397, ClinGen allele CA402133892.